The following is an entry in ClinVar:

NM_000138.5(FBN1):c.5558G>A (p.Cys1853Tyr)

Gene: FBN1 (fibrillin 1; minus strand). Cytogenetic location: 15q21.1.
Variant type: single nucleotide variant.
Coding change: c.5558G>A on transcript NM_000138.5 (MANE Select); coding-DNA position 5558, G replaced by A.
Protein change: p.Cys1853Tyr; replaces cysteine 1853 with tyrosine.
Molecular consequence: missense variant.
Genome position (GRCh38, 1-based): chr15:48,448,881, C>T on the plus strand (G>A on the coding strand, the complement: FBN1 is on the minus strand). VCF-style: chr15-48448881-C-T. GRCh37 (hg19) VCF-style: chr15-48741078-C-T.
Other names: NM_000138.5(FBN1):c.5558G>A; p.Cys1853Tyr; short protein forms C1853Y.
Identifiers: ClinVar variation 632819 (VCV000632819.15), dbSNP rs1555395989, ClinGen allele CA392342530.
Genomic context (GRCh38, chr15:48,448,881, plus strand): 5'-TAAAAGCTTCCAACTGTGTCAATGCACTGCCCATGACTGCATATATTGGGGATTTCTTGA[C>T]ATTCATTACGATCTGTAAATAAGAAGCATCTTAAGTGAGAACTTAGAAGACAAAATATAA-3'
Protein context (NP_000129.3, residues 1843-1863): STGQCNDRNE[Cys1853Tyr]QEIPNICSHG

ClinVar aggregate classification (germline): Pathogenic. Review status: reviewed by expert panel (3 of 4 stars). 4 submissions from 4 submitters: Pathogenic (1). 3 of the submissions do not count toward it. Last evaluated 2024-02-22.

Conditions:
Marfan syndrome (MFS). Also called: Marfan syndrome type 1; Marfan's syndrome; MARFAN SYNDROME, TYPE I; FBN1-Related Marfan Syndrome; Marfan syndrome, classic. Identifiers: Orphanet 284963, Orphanet 558, MedGen C0024796, MONDO:0007947, OMIM 154700.
Familial thoracic aortic aneurysm and aortic dissection (TAAD). Also called: Thoracic aortic aneurysms and dissections. Identifiers: Orphanet 91387, MedGen C4707243, MONDO:0019625.
Familial aortopathy. Identifiers: MedGen CN078214.

Submissions (4):

ClinGen FBN1 Variant Curation Expert Panel, ClinGen
Classification: Pathogenic for Marfan syndrome. Last evaluated: 2024-02-22. Review status: reviewed by expert panel. Criteria: Assertion Criteria VCEP FBN1 Version 1. Collection method: curation. Allele origin: germline. Inheritance: Autosomal dominant inheritance.
Comment: The NM_00138 c.5558G>A, is a missense variant in FBN1 predicted to cause a substitution of a cysteine by tyrosine at amino acid 1853 (p.Cys1853Tyr). This variant has been reported twice in ClinVar: once as likely pathogenic, and once as uncertain significance (Variation ID: 632189). This variant has also been identified in individuals with clinical diagnosis of Marfan syndrome and/or features of Marfan syndrome (Invitae ClinVar entry, internal data; PS4_Mod). This variant is not present in gnomAD (PM2_sup). This variant affects a cysteine residue in a calcium binding EGF-like domain. Cysteine residues in these domains are believed to be involved in the formation of disulfide bridges which are essential for the protein structure (PM1_strong). Computational prediction tools and conservation analysis suggest that this variant may impact the protein (REVEL: 0.992, PP3). The constraint z-score for missense variants affecting FBN1 is 5.06 (PP2). In summary, this variant meets criteria to be classified as pathogenic for Marfan syndrome based on the ACMG/AMP criteria applied, as specified by the ClinGen FBN1 VCEP: PM1_Strong, PS4_Mod, PM2_Sup, PP2, PP3, PP4.

Ambry Genetics
Classification: Likely pathogenic for Familial thoracic aortic aneurysm and aortic dissection. Last evaluated: 2026-07-23. Review status: criteria provided, single submitter. Criteria: Ambry Variant Classification Scheme 2023. Collection method: clinical testing. Allele origin: germline. Not counted in ClinVar's aggregate classification.
Comment: The p.C1853Y variant (also known as c.5558G>A), located in coding exon 45 of the FBN1 gene, results from a G to A substitution at nucleotide position 5558. The cysteine at codon 1853 is replaced by tyrosine, an amino acid with highly dissimilar properties. This variant was reported in individual(s) with Marfan syndrome (Ambry internal data). The majority of FBN1 mutations identified to date have involved the substitution or generation of cysteine residues within cbEGF domains (Vollbrandt T et al. J Biol Chem. 2004;279(31):32924-32931). Internal structural analysis indicates this variant eliminates a disulfide bond critical for the structural integrity of the cbEGF27 domain (Ambry internal data). This amino acid position is highly conserved in available vertebrate species. In addition, this alteration is predicted to be deleterious by in silico analysis. This variant is considered to be rare based on population cohorts in the Genome Aggregation Database (gnomAD). Based on the majority of available evidence to date, this variant is likely to be pathogenic.

Women's Health and Genetics/Laboratory Corporation of America, LabCorp
Classification: Likely pathogenic for Familial aortopathy. Last evaluated: 2026-04-10. Review status: criteria provided, single submitter. Criteria: LabCorp Variant Classification Summary - May 2015. Collection method: clinical testing. Allele origin: germline. Not counted in ClinVar's aggregate classification.
Comment: Variant summary: FBN1 c.5558G>A (p.Cys1853Tyr) results in a non-conservative amino acid change located in the EGF-like domain (IPR000742) of the encoded protein sequence. Algorithms developed to predict the effect of missense changes on protein structure and function all suggest that this variant is likely to be disruptive. The variant was absent in 250688 control chromosomes (gnomAD). c.5558G>A has been observed in individuals affected with clinical features of Marfan syndrome (internal data). To our knowledge, no experimental evidence demonstrating an impact on protein function has been reported. ClinVar contains an entry for this variant (Variation ID: 632819). Missense mutations affecting cysteine residues are listed among the criteria for a causal FBN1 mutation when identified as de novo (with proven paternity) in the revised Ghent criteria for the diagnosis of Marfan and related conditions (Loeys 2010). Based on the evidence outlined above, the variant was classified as likely pathogenic until the de novo origin of this variant is unequivocally confirmed.

Labcorp Genetics (formerly Invitae), Labcorp
Classification: Pathogenic for Marfan syndrome; Familial thoracic aortic aneurysm and aortic dissection. Last evaluated: 2025-01-27. Review status: criteria provided, single submitter. Criteria: Invitae Variant Classification Sherloc (09022015). Collection method: clinical testing. Allele origin: germline. Not counted in ClinVar's aggregate classification.
Comment: This sequence change replaces cysteine, which is neutral and slightly polar, with tyrosine, which is neutral and polar, at codon 1853 of the FBN1 protein (p.Cys1853Tyr). This variant is not present in population databases (gnomAD no frequency). This missense change has been observed in individual(s) with clinical features of Marfan syndrome (internal data). ClinVar contains an entry for this variant (Variation ID: 632819). Invitae Evidence Modeling of protein sequence and biophysical properties (such as structural, functional, and spatial information, amino acid conservation, physicochemical variation, residue mobility, and thermodynamic stability) indicates that this missense variant is expected to disrupt FBN1 protein function with a positive predictive value of 95%. This variant affects a cysteine residue in the EGF-like, TGFBP or hybrid motif domains of FBN1. Cysteine residues are believed to be involved in intramolecular disulfide bridges and have been shown to be important for FBN1 protein structure (PMID: 16905551, 19349279). In addition, missense substitutions affecting cysteine residues within these domains are significantly overrepresented among patients with Marfan syndrome (PMID: 16571647, 17701892). This variant disrupts the p.Cys1853 amino acid residue in FBN1. Other variant(s) that disrupt this residue have been observed in individuals with FBN1-related conditions (PMID: 25644172; internal data), which suggests that this may be a clinically significant amino acid residue. For these reasons, this variant has been classified as Pathogenic.

Literature cited by the submitters: PubMed 16905551 (cited by Labcorp Genetics (formerly Invitae), Labcorp); PubMed 19349279 (cited by Labcorp Genetics (formerly Invitae), Labcorp); PubMed 16571647 (cited by Labcorp Genetics (formerly Invitae), Labcorp); PubMed 17701892 (cited by Labcorp Genetics (formerly Invitae), Labcorp); PubMed 25644172 (cited by Labcorp Genetics (formerly Invitae), Labcorp).